The following is an entry in ClinVar:

ClinVar aggregate classification (germline): Uncertain significance (1 of 4 stars; one submission).

Submission:

Mayo Clinic Laboratories, Mayo Clinic
Classification: Uncertain significance. Last evaluated: 2025-08-11. Review status: criteria provided, single submitter. Criteria: ACMG Guidelines, 2015. Collection method: clinical testing. Allele origin: germline. Observed: 1 variant allele.
Comment: PM2_supporting

NM_014946.4(SPAST):c.331G>T (p.Gly111Cys)

Gene: SPAST (spastin; plus strand). Cytogenetic location: 2p22.3.
Variant type: single nucleotide variant.
Coding change: c.331G>T on transcript NM_014946.4 (MANE Select); coding-DNA position 331, G replaced by T.
Protein change: p.Gly111Cys; replaces glycine 111 with cysteine.
Molecular consequence: missense variant.
Genome position (GRCh38, 1-based): chr2:32,064,162, G>T. VCF-style: chr2-32064162-G-T. GRCh37 (hg19) VCF-style: chr2-32289231-G-T.
Other names: p.Gly111Cys; c.331G>T, p.Gly111Cys (NM_001363823.2, NM_001363875.2, NM_001377959.1 and 1 more transcripts); short protein forms G111C.
Identifiers: ClinVar variation 4542549 (VCV004542549.1).
Genomic context (GRCh38, chr2:32,064,162, plus strand): 5'-AGGAGCTCCGGGGCCGCGCCAGCACCTGCCTCGGCCTCGGCCCCGGCGCCGGTGCCGGGC[G>T]GCGAGGCCGAGCGCGTCCGAGTCTTCCACAAACAGGCCTTCGAGTACATCTCCATTGCCC-3'
Protein context (NP_055761.2, residues 101-121): SASAPAPVPG[Gly111Cys]EAERVRVFHK